The following is an entry in ClinVar:

NM_000548.5(TSC2):c.5284A>G (p.Asn1762Asp)

Gene: TSC2 (TSC complex subunit 2; plus strand). Cytogenetic location: 16p13.3.
Variant type: single nucleotide variant.
Coding change: c.5284A>G on transcript NM_000548.5 (MANE Select); coding-DNA position 5284, A replaced by G.
Protein change: p.Asn1762Asp; replaces asparagine 1762 with aspartic acid.
Molecular consequence: missense variant.
Genome position (GRCh38, 1-based): chr16:2,088,470, A>G. VCF-style: chr16-2088470-A-G. GRCh37 (hg19) VCF-style: chr16-2138471-A-G.
Other names: c.5083A>G, p.Asn1695Asp (NM_001077183.3); c.5215A>G, p.Asn1739Asp (NM_001114382.3); c.4975A>G, p.Asn1659Asp (NM_001318827.2); c.4939A>G, p.Asn1647Asp (NM_001318829.2); c.4552A>G, p.Asn1518Asp (NM_001318831.2); c.5116A>G, p.Asn1706Asp (NM_001318832.2); c.5086A>G, p.Asn1696Asp (NM_001363528.2); c.5152A>G, p.Asn1718Asp (NM_001370404.1); and 2 more; short protein forms N1762D, N1518D, N1706D, N1719D, N1696D, N1739D, N1647D, N1659D.
Identifiers: ClinVar variation 574514 (VCV000574514.8), dbSNP rs1567133600, ClinGen allele CA394315233.

ClinVar aggregate classification (germline): Uncertain significance (1 of 4 stars; one submission).

Conditions:
Tuberous sclerosis 2 (TSC2). Identifiers: Orphanet 805, MedGen C1860707, MONDO:0013199, OMIM 613254.

Submission:

Labcorp Genetics (formerly Invitae), Labcorp
Classification: Uncertain significance for Tuberous sclerosis 2. Last evaluated: 2020-09-09. Review status: criteria provided, single submitter. Criteria: Invitae Variant Classification Sherloc (09022015). Collection method: clinical testing. Allele origin: germline.
Comment: This variant is not present in population databases (ExAC no frequency). In summary, the available evidence is currently insufficient to determine the role of this variant in disease. Therefore, it has been classified as a Variant of Uncertain Significance. Algorithms developed to predict the effect of missense changes on protein structure and function (SIFT, PolyPhen-2, Align-GVGD) all suggest that this variant is likely to be tolerated, but these predictions have not been confirmed by published functional studies and their clinical significance is uncertain. This variant has not been reported in the literature in individuals with TSC2-related disease. This sequence change replaces asparagine with aspartic acid at codon 1762 of the TSC2 protein (p.Asn1762Asp). The asparagine residue is weakly conserved and there is a small physicochemical difference between asparagine and aspartic acid.